The following is an entry in ClinVar:

NM_000219.6(KCNE1):c.112_113delinsGA (p.Ser38Asp)

Gene: KCNE1 (potassium voltage-gated channel subfamily E regulatory subunit 1; minus strand). Cytogenetic location: 21q22.12.
Variant type: Indel.
Coding change: c.112_113delinsGA on transcript NM_000219.6 (MANE Select); coding-DNA positions 112 to 113, AG replaced by GA.
Protein change: p.Ser38Asp; replaces serine 38 with aspartic acid.
Molecular consequence: missense variant.
Genome position (GRCh38, 1-based): chr21:34,449,522-34,449,523, CT replaced by TC on the plus strand (AG replaced by GA on the coding strand, the reverse complement: KCNE1 is on the minus strand). VCF-style: chr21-34449522-CT-TC. GRCh37 (hg19) VCF-style: chr21-35821820-CT-TC.
Other names: c.112_113delinsGA, p.Ser38Asp (NM_001127668.4, NM_001127669.4, NM_001127670.4 and 4 more transcripts); c.112_113delinsGA (NM_000219.5); short protein forms S38D.
Identifiers: ClinVar variation 421865 (VCV000421865.7), dbSNP rs1064795410, ClinGen allele CA16620989.

ClinVar aggregate classification (germline): Conflicting classifications of pathogenicity. Review status: criteria provided, conflicting classifications (1 of 4 stars). 4 submissions from 4 submitters: Uncertain significance (3); Likely benign (1). Last evaluated 2025-11-27.

Conditions:
Cardiovascular phenotype. Identifiers: MedGen CN230736.
KCNE1-related disorder. Also called: KCNE1-related condition.
Long QT syndrome (LQTS). Identifiers: MedGen C0023976, MeSH D008133, MONDO:0002442. Disease mechanism: loss of function. Inheritance: Various modes of inheritance.

Submissions (4):

PreventionGenetics, part of Exact Sciences
Classification: Uncertain significance for KCNE1-related condition. Last evaluated: 2025-11-27. Review status: criteria provided, single submitter. Criteria: ACMG Guidelines, 2015. Collection method: clinical testing. Allele origin: germline.
Comment: The KCNE1 c.112_113delinsGA variant is predicted to result in an in-frame deletion and insertion. To our knowledge, this variant has not been reported in the literature or in a large population database (gnomAD), indicating this variant is rare. At this time, the clinical significance of this variant is uncertain due to the absence of conclusive functional and genetic evidence.

Labcorp Genetics (formerly Invitae), Labcorp
Classification: Uncertain significance for Long QT syndrome. Last evaluated: 2024-04-10. Review status: criteria provided, single submitter. Criteria: Invitae Variant Classification Sherloc (09022015). Collection method: clinical testing. Allele origin: germline.
Comment: This sequence change replaces serine, which is neutral and polar, with aspartic acid, which is acidic and polar, at codon 38 of the KCNE1 protein (p.Ser38Asp). The frequency data for this variant in the population databases is considered unreliable, as metrics indicate poor data quality at this position in the gnomAD database. This variant has not been reported in the literature in individuals affected with KCNE1-related conditions. ClinVar contains an entry for this variant (Variation ID: 421865). An algorithm developed to predict the effect of missense changes on protein structure and function (PolyPhen-2) suggests that this variant is likely to be tolerated. In summary, the available evidence is currently insufficient to determine the role of this variant in disease. Therefore, it has been classified as a Variant of Uncertain Significance.

Ambry Genetics
Classification: Uncertain significance for Cardiovascular phenotype. Last evaluated: 2023-04-11. Review status: criteria provided, single submitter. Criteria: Ambry Variant Classification Scheme 2023. Collection method: clinical testing. Allele origin: germline.
Comment: The c.112_113delAGinsGA variant (also known as p.S38D), located in coding exon 1 of the KCNE1 gene, results from an in-frame deletion of AG and insertion of GA at nucleotide positions 112 to 113. This results in the substitution of the serine residue for an aspartic acid residue at codon 38, an amino acid with similar properties. Based on data from gnomAD, this allele has an overall frequency of 0.0004% (1/251414) total alleles studied. The highest observed frequency was 0.0009% (1/113708) of European (non-Finnish) alleles. This amino acid position is poorly conserved in available vertebrate species. In addition, this alteration is predicted to be neutral by in silico analysis (Choi Y et al. PLoS ONE. 2012; 7(10):e46688). Since supporting evidence is limited at this time, the clinical significance of this alteration remains unclear.

GeneDx
Classification: Likely benign. Last evaluated: 2016-07-25. Review status: criteria provided, single submitter. Criteria: GeneDx Variant Classification (06012015). Collection method: clinical testing. Allele origin: germline. Affected: yes.
Comment: This variant is considered likely benign or benign based on one or more of the following criteria: it is a conservative change, it occurs at a poorly conserved position in the protein, it is predicted to be benign by multiple in silico algorithms, and/or has population frequency not consistent with disease.